The following is an entry in ClinVar:

ClinVar aggregate classification (germline): Uncertain significance (1 of 4 stars; one submission).

Submission:

GeneDx
Classification: Uncertain significance. Last evaluated: 2023-04-20. Review status: criteria provided, single submitter. Criteria: GeneDx Variant Classification Process June 2021. Collection method: clinical testing. Allele origin: germline. Affected: yes.
Comment: Not observed at significant frequency in large population cohorts (gnomAD); In silico analysis supports that this missense variant does not alter protein structure/function; In silico analysis is inconclusive as to whether the variant alters gene splicing. In the absence of RNA/functional studies, the actual effect of this sequence change is unknown.; Has not been previously published as pathogenic or benign to our knowledge

NM_052867.4(NALCN):c.3166G>A (p.Asp1056Asn)

Gene: NALCN (sodium leak channel, non-selective; minus strand). Cytogenetic location: 13q32.3.
Variant type: single nucleotide variant.
Coding change: c.3166G>A on transcript NM_052867.4 (MANE Select); coding-DNA position 3166, G replaced by A.
Protein change: p.Asp1056Asn; replaces aspartic acid 1056 with asparagine.
Molecular consequence: missense variant.
Genome position (GRCh38, 1-based): chr13:101,095,677, C>T on the plus strand (G>A on the coding strand, the complement: NALCN is on the minus strand). VCF-style: chr13-101095677-C-T. GRCh37 (hg19) VCF-style: chr13-101748028-C-T.
Other names: c.3253G>A, p.Asp1085Asn (NM_001350748.2); c.3166G>A, p.Asp1056Asn (NM_001350749.2); c.3079G>A, p.Asp1027Asn (NM_001350750.2, NM_001350751.2); short protein forms D1027N, D1056N, D1085N.
Identifiers: ClinVar variation 2662727 (VCV002662727.1), dbSNP rs2502085793, ClinGen allele CA388653718.